The following is an entry in ClinVar:

NM_007194.4(CHEK2):c.78C>T (p.Thr26=)

Gene: CHEK2 (checkpoint kinase 2; minus strand). Cytogenetic location: 22q12.1.
Variant type: single nucleotide variant.
Coding change: c.78C>T on transcript NM_007194.4 (MANE Select); coding-DNA position 78, C replaced by T.
Protein change: p.Thr26=; no amino-acid change (threonine 26 retained).
Molecular consequence: synonymous variant.
Genome position (GRCh38, 1-based): chr22:28,734,644, G>A on the plus strand (C>T on the coding strand, the complement: CHEK2 is on the minus strand). VCF-style: chr22-28734644-G-A. GRCh37 (hg19) VCF-style: chr22-29130632-G-A.
Other names: c.78C>T, p.Thr26= (NM_001005735.3, NM_001349956.3, NM_145862.3); c.-700C>T (NM_001257387.3).
Identifiers: ClinVar variation 230700 (VCV000230700.17), dbSNP rs876658717, ClinGen allele CA10581117.
Genomic context (GRCh38, chr22:28,734,644, plus strand): 5'-CATCGTGCTGGTAGAGGAGCTGGATATGCCCTGGGACTGTGAGGAGGAGCCTTGGGACTG[G>A]GTAACGCTGCCATGGGGCTGTGAACAGGCACTGCTGCCATGAGACTGCTGAGCCTCAACA-3'
Protein context (NP_009125.1, residues 16-36): SACSQPHGSV[Thr26=]QSQGSSSQSQ

ClinVar aggregate classification (germline): Benign/Likely benign. Review status: criteria provided, multiple submitters, no conflicts (2 of 4 stars). 5 submissions from 5 submitters: Benign (1); Likely benign (4). Last evaluated 2026-01-31.

Conditions:
Hereditary cancer-predisposing syndrome. Also called: Neoplastic Syndromes, Hereditary; Tumor predisposition; Hereditary Cancer Syndrome; Hereditary neoplastic syndrome. Identifiers: Orphanet 140162, MedGen C0027672, MeSH D009386, MONDO:0015356.
Familial cancer of breast. Also called: BREAST CANCER, FAMILIAL; hereditary breast carcinoma; Hereditary breast cancer. Identifiers: Orphanet 227535, MedGen C0346153, MONDO:0016419, OMIM 114480. Disease mechanism: loss of function.

Allele frequency attached by ClinVar (database versions not stated): gnomAD exomes below 0.00001.
gnomAD v4.1: 1 of 1,613,948 alleles (0.000062%); highest among the groups gnomAD compares: Non-Finnish European, 0.000085%; no homozygotes.

Submissions (5):

Labcorp Genetics (formerly Invitae), Labcorp
Classification: Likely benign for Familial cancer of breast. Last evaluated: 2026-01-31. Review status: criteria provided, single submitter. Criteria: Invitae Variant Classification Sherloc (09022015). Collection method: clinical testing. Allele origin: germline.

Myriad Genetics, Inc.
Classification: Benign for Familial cancer of breast. Last evaluated: 2024-10-01. Review status: criteria provided, single submitter. Criteria: Myriad Autosomal Dominant, Autosomal Recessive and X-Linked Classification Criteria (2023). Collection method: clinical testing. Allele origin: unknown.
Comment: This variant is considered benign. This variant is a silent/synonymous amino acid change and it is not expected to impact splicing.

Color Diagnostics, LLC DBA Color Health
Classification: Likely benign for Hereditary cancer-predisposing syndrome. Last evaluated: 2024-07-26. Review status: criteria provided, single submitter. Criteria: ACMG Guidelines, 2015. Collection method: clinical testing. Allele origin: germline.

GeneDx
Classification: Likely benign. Last evaluated: 2015-10-29. Review status: criteria provided, single submitter. Criteria: GeneDx Variant Classification (06012015). Collection method: clinical testing. Allele origin: germline. Affected: yes.
Comment: This variant is considered likely benign or benign based on one or more of the following criteria: it is a conservative change, it occurs at a poorly conserved position in the protein, it is predicted to be benign by multiple in silico algorithms, and/or has population frequency not consistent with disease.

Ambry Genetics
Classification: Likely benign for Hereditary cancer-predisposing syndrome. Last evaluated: 2015-03-06. Review status: criteria provided, single submitter. Criteria: Ambry Variant Classification Scheme 2023. Collection method: clinical testing. Allele origin: germline.